The following is an entry in ClinVar:

ClinVar aggregate classification (germline): Benign. Review status: criteria provided, multiple submitters, no conflicts (2 of 4 stars). 5 submissions from 5 submitters: Benign (4). 1 of the submissions does not count toward it. Last evaluated 2026-02-02.

Allele frequency attached by ClinVar (database versions not stated): 1000 Genomes Project 30x 0.22220; 1000 Genomes Project 0.22304; TOPMed 0.26290; gnomAD 0.27881 and 0.27983; ESP Exome Variant Server 0.28935; gnomAD exomes 0.31714 and 0.34088; ExAC 0.32947.
gnomAD v4.1: 537,664 of 1,609,606 alleles (33%); highest among the groups gnomAD compares: Non-Finnish European, 36%; 93,379 homozygotes.

Submissions (5):

Labcorp Genetics (formerly Invitae), Labcorp
Classification: Benign. Last evaluated: 2026-02-02. Review status: criteria provided, single submitter. Criteria: Invitae Variant Classification Sherloc (09022015). Collection method: clinical testing. Allele origin: germline.

Blueprint Genetics
Classification: Benign. Last evaluated: 2024-11-27. Review status: criteria provided, single submitter. Criteria: ACMG Guidelines, 2015. Collection method: clinical testing. Allele origin: germline.

Unidad de Genómica Garrahan, Hospital de Pediatría Garrahan
Classification: Benign. Last evaluated: 2024-07-31. Review status: criteria provided, single submitter. Criteria: ACMG Guidelines, 2015. Collection method: clinical testing. Allele origin: germline. Affected: no. Observed: 47 variant alleles.
Comment: This variant is classified as Benign based on local population frequency. This variant was detected in 51% of patients studied in a panel designed for Epileptic and Developmental Encephalopathy, Progressive Myoclonus Epilepsy and Abnormal Movements and Neurodegeneration with brain iron accumulation. Number of patients: 47. Only high quality variants are reported.

GeneDx
Classification: Benign. Last evaluated: 2015-12-16. Review status: criteria provided, single submitter. Criteria: GeneDx Variant Classification (06012015). Collection method: clinical testing. Allele origin: germline. Affected: yes.
Comment: This variant is considered likely benign or benign based on one or more of the following criteria: it is a conservative change, it occurs at a poorly conserved position in the protein, it is predicted to be benign by multiple in silico algorithms, and/or has population frequency not consistent with disease.

Mayo Clinic Laboratories, Mayo Clinic
Classification: Benign. Last evaluated: 2016-02-19. Review status: no assertion criteria provided. Collection method: clinical testing. Allele origin: unknown. Not counted in ClinVar's aggregate classification.

NM_020442.6(VARS2):c.2893G>A (p.Ala965Thr)

Gene: VARS2 (valyl-tRNA synthetase 2, mitochondrial; plus strand). Cytogenetic location: 6p21.33.
Variant type: single nucleotide variant.
Coding change: c.2893G>A on transcript NM_020442.6 (MANE Select); coding-DNA position 2893, G replaced by A.
Protein change: p.Ala965Thr; replaces alanine 965 with threonine.
Molecular consequence: missense variant.
Genome position (GRCh38, 1-based): chr6:30,925,651, G>A. VCF-style: chr6-30925651-G-A. GRCh37 (hg19) VCF-style: chr6-30893428-G-A.
Other names: c.2473G>A, p.Ala825Thr (NM_001167733.3); c.2983G>A, p.Ala995Thr (NM_001167734.2); short protein forms A965T, A995T, A825T.
Identifiers: ClinVar variation 380162 (VCV000380162.16), dbSNP rs2252863, ClinGen allele CA3706409.